The following is an entry in ClinVar:

ClinVar aggregate classification (germline): Uncertain significance (1 of 4 stars; one submission).

Conditions:
Hyperphosphatasia with intellectual disability syndrome 5 (GPIBD11). Also called: GLYCOSYLPHOSPHATIDYLINOSITOL BIOSYNTHESIS DEFECT 11. Identifiers: Orphanet 247262, MedGen C4014958, MONDO:0014457, OMIM 616025.

Allele frequency attached by ClinVar (database versions not stated): gnomAD exomes below 0.00001; gnomAD 0.00001; TOPMed 0.00001.

Submission:

Labcorp Genetics (formerly Invitae), Labcorp
Classification: Uncertain significance for Hyperphosphatasia with intellectual disability syndrome 5. Last evaluated: 2021-07-18. Review status: criteria provided, single submitter. Criteria: Invitae Variant Classification Sherloc (09022015). Collection method: clinical testing. Allele origin: germline.
Comment: This variant has not been reported in the literature in individuals affected with PIGW-related conditions. Algorithms developed to predict the effect of missense changes on protein structure and function output the following: SIFT: "Tolerated"; PolyPhen-2: "Benign"; Align-GVGD: "Class C0". The leucine amino acid residue is found in multiple mammalian species, which suggests that this missense change does not adversely affect protein function. In summary, the available evidence is currently insufficient to determine the role of this variant in disease. Therefore, it has been classified as a Variant of Uncertain Significance. This variant is not present in population databases (ExAC no frequency). This sequence change replaces phenylalanine with leucine at codon 503 of the PIGW protein (p.Phe503Leu). The phenylalanine residue is moderately conserved and there is a small physicochemical difference between phenylalanine and leucine.

NM_001346754.2(PIGW):c.1507T>C (p.Phe503Leu)

Genes: MYO19 (myosin XIX; minus strand), PIGW (phosphatidylinositol glycan anchor biosynthesis class W; plus strand). Cytogenetic location: 17q12.
Variant type: single nucleotide variant.
Coding change: c.1507T>C on transcript NM_001346754.2 (MANE Select); coding-DNA position 1507, T replaced by C.
Protein change: p.Phe503Leu; replaces phenylalanine 503 with leucine.
Molecular consequence: missense variant.
Genome position (GRCh38, 1-based): chr17:36,538,608, T>C. VCF-style: chr17-36538608-T-C. GRCh37 (hg19) VCF-style: chr17-34894457-T-C.
Other names: c.1507T>C, p.Phe503Leu (NM_001346755.2, NM_178517.5); short protein forms F503L.
Identifiers: ClinVar variation 1424435 (VCV001424435.8), dbSNP rs1403836098, ClinGen allele CA399165134.